The following is an entry in ClinVar:

NM_014727.3(KMT2B):c.1764TCC[1] (p.Pro590del)

Gene: KMT2B (lysine methyltransferase 2B; plus strand). Cytogenetic location: 19q13.12.
Variant type: Microsatellite.
Coding change: c.1764TCC[1] on transcript NM_014727.3 (MANE Select); one copy of the 3-base unit TCC starting at c.1764; the reference has two copies in a row; one copy, 3 bases deleted.
Protein change: p.Pro590del; deletes proline 590.
Molecular consequence: inframe deletion.
Genome position (GRCh38, 1-based): chr19:35,721,114-35,721,116, TCC deleted; deleting any 3 consecutive bases within chr19:35,721,110-35,721,116 gives the same sequence; the position shown is the placement nearest the transcript's 3' end. VCF-style (leftmost placement, unchanged base first): chr19-35721109-ACTC-A. GRCh37 (hg19) VCF-style: chr19-36212011-ACTC-A.
Other names: short protein forms P590del.
Identifiers: ClinVar variation 1708628 (VCV001708628.5), dbSNP rs762659366, ClinGen allele CA9384291.

ClinVar aggregate classification (germline): Uncertain significance. Review status: criteria provided, multiple submitters, no conflicts (2 of 4 stars). 2 submissions from 2 submitters: Uncertain significance (2). Last evaluated 2023-10-05.

Submissions (2):

Labcorp Genetics (formerly Invitae), Labcorp
Classification: Uncertain significance. Last evaluated: 2023-10-05. Review status: criteria provided, single submitter. Criteria: Invitae Variant Classification Sherloc (09022015). Collection method: clinical testing. Allele origin: germline.
Comment: This variant, c.1767_1769del, results in the deletion of 1 amino acid(s) of the KMT2B protein (p.Pro590del), but otherwise preserves the integrity of the reading frame. This variant is present in population databases (rs762659366, gnomAD 0.01%). This variant has not been reported in the literature in individuals affected with KMT2B-related conditions. ClinVar contains an entry for this variant (Variation ID: 1708628). Experimental studies and prediction algorithms are not available or were not evaluated, and the functional significance of this variant is currently unknown. In summary, the available evidence is currently insufficient to determine the role of this variant in disease. Therefore, it has been classified as a Variant of Uncertain Significance.

GeneDx
Classification: Uncertain significance. Last evaluated: 2022-04-07. Review status: criteria provided, single submitter. Criteria: GeneDx Variant Classification Process June 2021. Collection method: clinical testing. Allele origin: germline. Affected: yes.
Comment: In-frame deletion of 1 amino acid in a non-repeat region; In silico analysis supports that this variant does not alter protein structure/function; Has not been previously published as pathogenic or benign to our knowledge